The following is an entry in ClinVar:

NM_012433.4(SF3B1):c.3332G>A (p.Cys1111Tyr)

Gene: SF3B1 (splicing factor 3b subunit 1; minus strand). Cytogenetic location: 2q33.1.
Variant type: single nucleotide variant.
Coding change: c.3332G>A on transcript NM_012433.4 (MANE Select); coding-DNA position 3332, G replaced by A.
Protein change: p.Cys1111Tyr; replaces cysteine 1111 with tyrosine.
Molecular consequence: missense variant.
Genome position (GRCh38, 1-based): chr2:197,396,263, C>T on the plus strand (G>A on the coding strand, the complement: SF3B1 is on the minus strand). VCF-style: chr2-197396263-C-T. GRCh37 (hg19) VCF-style: chr2-198260987-C-T.
Other names: short protein forms C1111Y.
Identifiers: ClinVar variation 5017542 (VCV005017542.1).
Genomic context (GRCh38, chr2:197,396,263, plus strand): 5'-GCAGGGAGTACTGTAAAGGGTGAACATGTTTCTGCAACAATAGCTATTGCTACAGTGGTA[C>T]AAACTCTGTTCTGCCTTTCTTGAACTTTGAGGTTGTTCAGAAGTGTAGCCAATACATCAT-3'
Protein context (NP_036565.2, residues 1101-1121): LKVQERQNRV[Cys1111Tyr]TTVAIAIVAE

ClinVar aggregate classification (germline): Uncertain significance (1 of 4 stars; one submission).

Submission:

GeneDx
Classification: Uncertain significance. Last evaluated: 2026-03-25. Review status: criteria provided, single submitter. Criteria: GeneDx Variant Classification Process June 2021. Collection method: clinical testing. Allele origin: germline.
Comment: Not observed at significant frequency in large population cohorts (gnomAD); In silico analysis supports that this missense variant has a deleterious effect on protein structure/function; Has not been previously published as pathogenic or benign to our knowledge